The following is an entry in ClinVar:

NM_001035.3(RYR2):c.9580+9G>A

Gene: RYR2 (ryanodine receptor 2; plus strand). Cytogenetic location: 1q43.
Variant type: single nucleotide variant.
Coding change: c.9580+9G>A on transcript NM_001035.3 (MANE Select); 9 bases into the intron after coding-DNA position 9580, G replaced by A.
Molecular consequence: intron variant.
Genome position (GRCh38, 1-based): chr1:237,705,352, G>A. VCF-style: chr1-237705352-G-A. GRCh37 (hg19) VCF-style: chr1-237868652-G-A.
Other names: c.9580+9G>A (LRG_402t1).
Identifiers: ClinVar variation 378491 (VCV000378491.14), dbSNP rs767679867, ClinGen allele CA087925.
Genomic context (GRCh38, chr1:237,705,352, plus strand): 5'-AAACATAATATTTACTCCATCTACAATACCAAGTCTTCACGAGAAAGAGCAGGTAACACA[G>A]AAACATGTGCAGTGCTTTGAGATATGAAGCTAAAACTTGATATTTATCATATTGTCCAAT-3'

ClinVar aggregate classification (germline): Benign/Likely benign. Review status: criteria provided, multiple submitters, no conflicts (2 of 4 stars). 3 submissions from 3 submitters: Benign (2); Likely benign (1). Last evaluated 2026-02-03.

Conditions:
Catecholaminergic polymorphic ventricular tachycardia 1. Also called: RYR2-Related Catecholaminergic Polymorphic Ventricular Tachycardia; VENTRICULAR TACHYCARDIA, STRESS-INDUCED POLYMORPHIC 1; VENTRICULAR TACHYCARDIA, CATECHOLAMINERGIC POLYMORPHIC, 1, WITH OR WITHOUT ATRIAL DYSFUNCTION AND/OR DILATED CARDIOMYOPATHY. Identifiers: Orphanet 3286, MedGen C1631597, MONDO:0011484, OMIM 604772.

Allele frequency attached by ClinVar (database versions not stated): gnomAD 0.00004 and 0.00005; TOPMed 0.00005; gnomAD exomes 0.00007; ExAC 0.00011.
gnomAD v4.1: 76 of 1,599,822 alleles (0.0048%); highest among the groups gnomAD compares: Non-Finnish European, 0.0012%; no homozygotes.

Submissions (3):

Labcorp Genetics (formerly Invitae), Labcorp
Classification: Likely benign for Catecholaminergic polymorphic ventricular tachycardia 1. Last evaluated: 2026-02-03. Review status: criteria provided, single submitter. Criteria: Invitae Variant Classification Sherloc (09022015). Collection method: clinical testing. Allele origin: germline.

Women's Health and Genetics/Laboratory Corporation of America, LabCorp
Classification: Benign. Last evaluated: 2024-06-24. Review status: criteria provided, single submitter. Criteria: LabCorp Variant Classification Summary - May 2015. Collection method: clinical testing. Allele origin: germline.

GeneDx
Classification: Benign. Last evaluated: 2015-11-09. Review status: criteria provided, single submitter. Criteria: GeneDx Variant Classification (06012015). Collection method: clinical testing. Allele origin: germline. Affected: yes.
Comment: This variant is considered likely benign or benign based on one or more of the following criteria: it is a conservative change, it occurs at a poorly conserved position in the protein, it is predicted to be benign by multiple in silico algorithms, and/or has population frequency not consistent with disease.